The following is an entry in ClinVar:

NM_003632.3(CNTNAP1):c.2344+1G>A

Gene: CNTNAP1 (contactin associated protein 1; plus strand). Cytogenetic location: 17q21.2.
Variant type: single nucleotide variant.
Coding change: c.2344+1G>A on transcript NM_003632.3 (MANE Select); the canonical splice donor site of the intron after coding-DNA position 2344, G replaced by A.
Molecular consequence: splice donor variant.
Genome position (GRCh38, 1-based): chr17:42,691,512, G>A. VCF-style: chr17-42691512-G-A. GRCh37 (hg19) VCF-style: chr17-40843530-G-A.
Identifiers: ClinVar variation 934397 (VCV000934397.8), dbSNP rs2053086109, ClinGen allele CA399647393.

ClinVar aggregate classification (germline): Likely pathogenic (1 of 4 stars; one submission).

Allele frequency attached by ClinVar (database versions not stated): gnomAD exomes below 0.00001.
gnomAD v4.1: 4 of 1,613,846 alleles (0.00025%); highest among the groups gnomAD compares: East Asian, 0.0022%; no homozygotes.

Submission:

Labcorp Genetics (formerly Invitae), Labcorp
Classification: Likely pathogenic. Last evaluated: 2019-09-09. Review status: criteria provided, single submitter. Criteria: Invitae Variant Classification Sherloc (09022015). Collection method: clinical testing. Allele origin: germline.
Comment: In summary, the currently available evidence indicates that the variant is pathogenic, but additional data are needed to prove that conclusively. Therefore, this variant has been classified as Likely Pathogenic. Donor and acceptor splice site variants typically lead to a loss of protein function (PMID: 16199547), and loss-of-function variants in CNTNAP1 are known to be pathogenic (PMID: 24319099). Algorithms developed to predict the effect of sequence changes on RNA splicing suggest that this variant may disrupt the consensus splice site, but this prediction has not been confirmed by published transcriptional studies. This variant has not been reported in the literature in individuals with CNTNAP1-related disease. This variant is not present in population databases (ExAC no frequency). This sequence change affects a donor splice site in intron 15 of the CNTNAP1 gene. It is expected to disrupt RNA splicing and likely results in an absent or disrupted protein product.

Literature cited by the submitters: PubMed 16199547; PubMed 24319099.